The following is an entry in ClinVar:

NM_138387.4(G6PC3):c.940T>C (p.Phe314Leu)

Gene: G6PC3 (glucose-6-phosphatase catalytic subunit 3; plus strand). Cytogenetic location: 17q21.31.
Variant type: single nucleotide variant.
Coding change: c.940T>C on transcript NM_138387.4 (MANE Select); coding-DNA position 940, T replaced by C.
Protein change: p.Phe314Leu; replaces phenylalanine 314 with leucine.
Molecular consequence: missense variant. On other transcripts: 3 prime UTR variant (1).
Genome position (GRCh38, 1-based): chr17:44,075,942, T>C. VCF-style: chr17-44075942-T-C. GRCh37 (hg19) VCF-style: chr17-42153310-T-C.
Other names: c.*233T>C (NM_001319945.2); c.595T>C, p.Phe199Leu (NM_001384165.1, NM_001384166.1, NM_001384167.1 and 1 more transcripts); short protein forms F314L, F199L.
Identifiers: ClinVar variation 949593 (VCV000949593.11), dbSNP rs1212393526, ClinGen allele CA399729650.

ClinVar aggregate classification (germline): Uncertain significance. Review status: criteria provided, multiple submitters, no conflicts (2 of 4 stars). 2 submissions from 2 submitters: Uncertain significance (2). Last evaluated 2025-05-15.

Conditions:
Inborn genetic diseases. Identifiers: MedGen C0950123, MeSH D030342.
Autosomal recessive severe congenital neutropenia due to G6PC3 deficiency. Also called: G6PC3 Deficiency; NEUTROPENIA, SEVERE CONGENITAL, 4, AUTOSOMAL RECESSIVE. Identifiers: Orphanet 331176, MedGen C2751630, MONDO:0012930, OMIM 612541.

Submissions (2):

Ambry Genetics
Classification: Uncertain significance for Inborn genetic diseases. Last evaluated: 2025-05-15. Review status: criteria provided, single submitter. Criteria: Ambry Variant Classification Scheme 2023. Collection method: clinical testing. Allele origin: germline.

Labcorp Genetics (formerly Invitae), Labcorp
Classification: Uncertain significance for Autosomal recessive severe congenital neutropenia due to G6PC3 deficiency. Last evaluated: 2019-07-10. Review status: criteria provided, single submitter. Criteria: Invitae Variant Classification Sherloc (09022015). Collection method: clinical testing. Allele origin: germline.
Comment: This sequence change replaces phenylalanine with leucine at codon 314 of the G6PC3 protein (p.Phe314Leu). The phenylalanine residue is moderately conserved and there is a small physicochemical difference between phenylalanine and leucine. This variant is not present in population databases (ExAC no frequency). This variant has not been reported in the literature in individuals with G6PC3-related conditions. Algorithms developed to predict the effect of missense changes on protein structure and function are either unavailable or do not agree on the potential impact of this missense change (SIFT: "Tolerated"; PolyPhen-2: "Probably Damaging"; Align-GVGD: "Class C0"). In summary, the available evidence is currently insufficient to determine the role of this variant in disease. Therefore, it has been classified as a Variant of Uncertain Significance.